The following is an entry in ClinVar:

ClinVar aggregate classification (germline): Uncertain significance. Review status: criteria provided, multiple submitters, no conflicts (2 of 4 stars). 2 submissions from 2 submitters: Uncertain significance (2). Last evaluated 2022-09-07.

Conditions:
Fanconi anemia (FA). Also called: Fanconi's anemia. Identifiers: Orphanet 84, MedGen C0015625, MeSH D005199, MONDO:0019391.
Fanconi anemia complementation group C (FANCC). Also called: Fanconi anemia, group C; FANCC-Related Fanconi Anemia; FANCONI PANCYTOPENIA, TYPE 3; FACC. Identifiers: Orphanet 84, MedGen C3468041, MONDO:0009213, OMIM 227645.

Allele frequency attached by ClinVar (database versions not stated): gnomAD exomes below 0.00001; TOPMed below 0.00001.
gnomAD v4.1: 1 of 1,613,384 alleles (0.000062%); highest among the groups gnomAD compares: African/African-American, 0.0013%; no homozygotes.

Submissions (2):

Labcorp Genetics (formerly Invitae), Labcorp
Classification: Uncertain significance for Fanconi anemia. Last evaluated: 2022-09-07. Review status: criteria provided, single submitter. Criteria: Invitae Variant Classification Sherloc (09022015). Collection method: clinical testing. Allele origin: germline.
Comment: In summary, the available evidence is currently insufficient to determine the role of this variant in disease. Therefore, it has been classified as a Variant of Uncertain Significance. Algorithms developed to predict the effect of missense changes on protein structure and function are either unavailable or do not agree on the potential impact of this missense change (SIFT: "Tolerated"; PolyPhen-2: "Possibly Damaging"; Align-GVGD: "Class C0"). ClinVar contains an entry for this variant (Variation ID: 1036638). This variant has not been reported in the literature in individuals affected with FANCC-related conditions. This variant is not present in population databases (gnomAD no frequency). This sequence change replaces isoleucine, which is neutral and non-polar, with threonine, which is neutral and polar, at codon 98 of the FANCC protein (p.Ile98Thr).

Fulgent Genetics
Classification: Uncertain significance for Fanconi anemia complementation group C. Last evaluated: 2022-02-18. Review status: criteria provided, single submitter. Criteria: ACMG Guidelines, 2015. Collection method: clinical testing. Allele origin: unknown.

NM_000136.3(FANCC):c.293T>C (p.Ile98Thr)

Gene: FANCC (FA complementation group C; minus strand). Cytogenetic location: 9q22.32.
Variant type: single nucleotide variant.
Coding change: c.293T>C on transcript NM_000136.3 (MANE Select); coding-DNA position 293, T replaced by C.
Protein change: p.Ile98Thr; replaces isoleucine 98 with threonine.
Molecular consequence: missense variant.
Genome position (GRCh38, 1-based): chr9:95,240,701, A>G on the plus strand (T>C on the coding strand, the complement: FANCC is on the minus strand). VCF-style: chr9-95240701-A-G. GRCh37 (hg19) VCF-style: chr9-98002983-A-G.
Other names: c.293T>C, p.Ile98Thr (NM_001243743.2, NM_001243744.2); short protein forms I98T.
Identifiers: ClinVar variation 1036638 (VCV001036638.9), dbSNP rs1830583670, ClinGen allele CA374339363.